The following is an entry in ClinVar:

NM_032119.4(ADGRV1):c.8182A>T (p.Arg2728Ter)

Gene: ADGRV1 (adhesion G protein-coupled receptor V1; plus strand). Cytogenetic location: 5q14.3.
Variant type: single nucleotide variant.
Coding change: c.8182A>T on transcript NM_032119.4 (MANE Select); coding-DNA position 8182, A replaced by T.
Protein change: p.Arg2728Ter; replaces arginine 2728 with a stop codon.
Molecular consequence: nonsense. On other transcripts: non-coding transcript variant (1).
Genome position (GRCh38, 1-based): chr5:90,703,691, A>T. VCF-style: chr5-90703691-A-T. GRCh37 (hg19) VCF-style: chr5-89999508-A-T.
Other names: short protein forms R2728*.
Identifiers: ClinVar variation 2751726 (VCV002751726.3), dbSNP rs1472049250, ClinGen allele CA360388777.

ClinVar aggregate classification (germline): Pathogenic (1 of 4 stars; one submission).

Submission:

Labcorp Genetics (formerly Invitae), Labcorp
Classification: Pathogenic. Last evaluated: 2023-08-10. Review status: criteria provided, single submitter. Criteria: Invitae Variant Classification Sherloc (09022015). Collection method: clinical testing. Allele origin: germline.
Comment: For these reasons, this variant has been classified as Pathogenic. This sequence change creates a premature translational stop signal (p.Arg2728*) in the ADGRV1 gene. It is expected to result in an absent or disrupted protein product. Loss-of-function variants in ADGRV1 are known to be pathogenic (PMID: 19357117, 22135276, 22147658, 26226137, 30718709, 31047384, 32467589). This variant is not present in population databases (gnomAD no frequency). This variant has not been reported in the literature in individuals affected with ADGRV1-related conditions.

Literature cited by the submitters: PubMed 19357117; PubMed 22135276; PubMed 22147658; PubMed 26226137; PubMed 30718709; PubMed 31047384; PubMed 32467589.